The following is an entry in ClinVar:

ClinVar aggregate classification (germline): Uncertain significance (1 of 4 stars; one submission).

gnomAD v4.1: 2 of 1,614,196 alleles (0.00012%); highest among the groups gnomAD compares: South Asian, 0.0022%; no homozygotes.

Submission:

GeneDx
Classification: Uncertain significance. Last evaluated: 2023-11-21. Review status: criteria provided, single submitter. Criteria: GeneDx Variant Classification Process June 2021. Collection method: clinical testing. Allele origin: germline. Affected: yes.
Comment: Reported in a cohort of individuals with pulmonary arterial hypertension (PMID: 33066286); Not observed at significant frequency in large population cohorts (gnomAD); In silico analysis supports that this missense variant does not alter protein structure/function; This variant is associated with the following publications: (PMID: 33066286)

NM_001204.7(BMPR2):c.2729G>A (p.Cys910Tyr)

Gene: BMPR2 (bone morphogenetic protein receptor type 2; plus strand). Cytogenetic location: 2q33.2.
Variant type: single nucleotide variant.
Coding change: c.2729G>A on transcript NM_001204.7 (MANE Select); coding-DNA position 2729, G replaced by A.
Protein change: p.Cys910Tyr; replaces cysteine 910 with tyrosine.
Molecular consequence: missense variant.
Genome position (GRCh38, 1-based): chr2:202,556,394, G>A. VCF-style: chr2-202556394-G-A. GRCh37 (hg19) VCF-style: chr2-203421117-G-A.
Other names: short protein forms C910Y.
Identifiers: ClinVar variation 3343843 (VCV003343843.1).